The following is an entry in ClinVar:

NM_000214.3(JAG1):c.2279_2280del (p.Val760fs)

Gene: JAG1 (jagged canonical Notch ligand 1; minus strand). Cytogenetic location: 20p12.2.
Variant type: Microsatellite.
Coding change: c.2279_2280del on transcript NM_000214.3 (MANE Select); coding-DNA positions 2279 to 2280, 2 bases deleted (TG; older notation c.2279_2280delTG).
Protein change: p.Val760fs; shifts the reading frame from valine 760.
Molecular consequence: frameshift variant.
Genome position (GRCh38, 1-based): chr20:10,644,927-10,644,928, CA deleted on the plus strand (TG on the coding strand, the reverse complement: JAG1 is on the minus strand); deleting any 2 consecutive bases within chr20:10,644,927-10,644,932 gives the same sequence; the c. name uses the placement nearest the transcript's 3' end. VCF-style (leftmost placement, unchanged base first): chr20-10644926-CCA-C. GRCh37 (hg19) VCF-style: chr20-10625574-CCA-C.
Other names: short protein forms V760fs.
Identifiers: ClinVar variation 4995334 (VCV004995334.1).
Genomic context (GRCh38, chr20:10,644,926, plus strand): 5'-GAGCACAGATGGGCCCCTCCCAGCCTTCCTTGCAGACGCACGTAAAGGACTCGCCGTTGA[CCA>C]CACATGTGCCCCCATTATGGCAGGGGTTGGGCAGGCAGCTACTGTTTCGGGCTATAAAAG-3'

ClinVar aggregate classification (germline): Pathogenic (1 of 4 stars; one submission).

Conditions:
JAG1-related disorder. Also called: JAG1-related disorders; JAG1-related condition.

Submission:

PreventionGenetics, part of Exact Sciences
Classification: Pathogenic for JAG1-related condition. Last evaluated: 2025-10-09. Review status: criteria provided, single submitter. Criteria: ACMG Guidelines, 2015. Collection method: clinical testing. Allele origin: germline.
Comment: The JAG1 c.2279_2280delTG variant is predicted to result in a frameshift and premature protein termination (p.Val760Glyfs*25). This variant has been reported in an individual with Alagille syndrome (Described as c.2692delTG, Krantz et al. 1998. PubMed ID: 9585603). This variant has not been reported in a large population database (gnomAD), indicating this variant is rare. Frameshift variants in JAG1 are expected to be pathogenic. This variant is interpreted as pathogenic.